The following is an entry in ClinVar:

ClinVar aggregate classification (germline): Likely pathogenic. Review status: criteria provided, multiple submitters, no conflicts (2 of 4 stars). 3 submissions from 3 submitters: Likely pathogenic (3). Last evaluated 2025-10-02.

Conditions:
Cardiovascular phenotype. Identifiers: MedGen CN230736.
Autosomal recessive limb-girdle muscular dystrophy type 2J (LGMDR10). Also called: MUSCULAR DYSTROPHY, LIMB-GIRDLE, AUTOSOMAL RECESSIVE 10; Limb-girdle muscular dystrophy, type 2J. Identifiers: Orphanet 140922, MedGen C1837342, MONDO:0012127, OMIM 608807.
Dilated cardiomyopathy 1G (CMD1G). Identifiers: Orphanet 154, MedGen C1858763, MONDO:0011400, OMIM 604145.

gnomAD v4.1: 8 of 1,613,642 alleles (0.0005%); highest among the groups gnomAD compares: African/African-American, 0.0013%; no homozygotes.

Submissions (3):

Labcorp Genetics (formerly Invitae), Labcorp
Classification: Likely pathogenic for Dilated cardiomyopathy 1G; Autosomal recessive limb-girdle muscular dystrophy type 2J. Last evaluated: 2025-10-02. Review status: criteria provided, single submitter. Criteria: Invitae Variant Classification Sherloc (09022015). Collection method: clinical testing. Allele origin: germline.
Comment: This sequence change creates a premature translational stop signal (p.Arg4749*) in the TTN gene. While this is not anticipated to result in nonsense mediated decay, it is expected to create a truncated TTN protein. This variant is not present in population databases (gnomAD no frequency). This premature translational stop signal has been observed in individual(s) with clinical features of autosomal recessive limb-girdle muscular dystrophy (PMID: 31983221; internal data). This variant has been reported in individual(s) with dilated cardiomyopathy (PMID: 31983221; internal data); however, the role of the variant in this condition is currently unclear. ClinVar contains an entry for this variant (Variation ID: 503655). This variant is located in the I band of TTN (PMID: 25589632). Truncating variants in this region have been reported in individuals affected with autosomal recessive centronuclear myopathy (PMID: 23975875, internal data). Truncating variants in this region have also been identified in individuals affected with autosomal dominant dilated cardiomyopathy and/or cardio-related conditions (PMID: 27869827, 32964742, internal data). In summary, the currently available evidence indicates that the variant is pathogenic, but additional data are needed to prove that conclusively. Therefore, this variant has been classified as Likely Pathogenic.

GeneDx
Classification: Likely pathogenic. Last evaluated: 2025-06-03. Review status: criteria provided, single submitter. Criteria: GeneDx Variant Classification Process June 2021. Collection method: clinical testing. Allele origin: germline. Affected: yes.
Comment: Not observed at significant frequency in large population cohorts (gnomAD); Located in a specific region of the I-band within TTN for which truncating variants are significantly associated with autosomal dominant cardiomyopathy and also with autosomal recessive skeletal myopathies (PMID: 27625338, 27869827, 32778822); This variant is associated with the following publications: (PMID: 27625338, 27869827, 32778822, FatkinD2016[Article], 31983221, 35177841)

Molecular Diagnostic Laboratory for Inherited Cardiovascular Disease, Montreal Heart Institute
Classification: Likely pathogenic for Cardiovascular phenotype. Last evaluated: 2021-06-18. Review status: criteria provided, single submitter. Criteria: ACMG Guidelines, 2015. Collection method: clinical testing. Allele origin: germline. Affected: yes.

Literature cited by the submitters: PubMed 31983221 (cited by Labcorp Genetics (formerly Invitae), Labcorp); PubMed 25589632 (cited by Labcorp Genetics (formerly Invitae), Labcorp); PubMed 23975875 (cited by Labcorp Genetics (formerly Invitae), Labcorp); PubMed 27869827 (cited by Labcorp Genetics (formerly Invitae), Labcorp); PubMed 32964742 (cited by Labcorp Genetics (formerly Invitae), Labcorp).

NM_001267550.2(TTN):c.14245C>T (p.Arg4749Ter)

Gene: TTN (titin; minus strand). Cytogenetic location: 2q31.2.
Variant type: single nucleotide variant.
Coding change: c.14245C>T on transcript NM_001267550.2 (MANE Select); coding-DNA position 14245, C replaced by T.
Protein change: p.Arg4749Ter; replaces arginine 4749 with a stop codon.
Molecular consequence: nonsense.
Genome position (GRCh38, 1-based): chr2:178,738,208, G>A on the plus strand (C>T on the coding strand, the complement: TTN is on the minus strand). VCF-style: chr2-178738208-G-A. GRCh37 (hg19) VCF-style: chr2-179602935-G-A.
Other names: c.13294C>T, p.Arg4432Ter (NM_001256850.1); c.13156C>T, p.Arg4386Ter (NM_003319.4); c.10513C>T, p.Arg3505Ter (NM_133378.4); c.13531C>T, p.Arg4511Ter (NM_133432.3); c.13732C>T, p.Arg4578Ter (NM_133437.4); c.14245C>T (NM_001267550.1); short protein forms R4432*, R4749*, R3505*, R4578*, R4386*, R4511*.
Identifiers: ClinVar variation 503655 (VCV000503655.10), dbSNP rs1553934752, ClinGen allele CA349602415.